The following is an entry in ClinVar:

ClinVar aggregate classification (germline): Likely benign (1 of 4 stars; one submission).

Submission:

CeGaT Center for Human Genetics Tuebingen
Classification: Likely benign. Last evaluated: 2023-02-01. Review status: criteria provided, single submitter. Criteria: CeGaT Center For Human Genetics Tuebingen Variant Classification Criteria Version 2. Collection method: clinical testing. Allele origin: germline. Affected: yes. Observed: 1 variant allele.
Comment: AFF2: BS2

NM_002025.4(AFF2):c.-458CGC[7]

Genes: AFF2 (ALF transcription elongation factor 2; plus strand), FRAXE (fragile site, folic acid type, rare, fra(X)(q28) E; plus strand). Cytogenetic location: Xq28.
Variant type: Microsatellite.
Coding change: c.-458CGC[7] on transcript NM_002025.4 (MANE Select); seven copies in a row of the 3-base unit CGC starting at c.-458; the reference has 15 copies in a row; eight copies, 24 bases deleted.
Molecular consequence: 5 prime UTR variant.
Genome position (GRCh38, 1-based): chrX:148,500,661-148,500,684, CGCCGCCGCCGCCGCCGCCGCCGC deleted; deleting any 24 consecutive bases within chrX:148,500,638-148,500,684 gives the same sequence; the position shown is the placement nearest the transcript's 3' end. VCF-style (leftmost placement, unchanged base first): chrX-148500637-TGCCGCCGCCGCCGCCGCCGCCGCC-T. GRCh37 (hg19) VCF-style: chrX-147582157-TGCCGCCGCCGCCGCCGCCGCCGCC-T.
Other names: c.-458CGC[7] (NM_001169122.2, NM_001169123.2, NM_001169124.2 and 1 more transcripts).
Identifiers: ClinVar variation 2661597 (VCV002661597.24), dbSNP rs193922937, ClinGen allele CA872821155.